The following is an entry in ClinVar:

ClinVar aggregate classification (germline): Benign/Likely benign. Review status: criteria provided, multiple submitters, no conflicts (2 of 4 stars). 16 submissions from 14 submitters: Benign (10); Likely benign (2). 4 of the submissions do not count toward it. Last evaluated 2025-02-16.

Conditions:
Inborn genetic diseases. Identifiers: MedGen C0950123, MeSH D030342.
Autosomal recessive inherited pseudoxanthoma elasticum (PXE). Identifiers: Orphanet 758, MedGen CN032334, MONDO:0009925, OMIM 264800.
Pseudoxanthoma elasticum, forme fruste. Also called: Pseudoxanthoma Elasticum, Incomplete; PSEUDOXANTHOMA ELASTICUM, HETEROZYGOUS. Identifiers: Orphanet 758, MedGen C1867450, MONDO:0008333, OMIM 177850.
Arterial calcification, generalized, of infancy, 2. Identifiers: Orphanet 51608, MedGen C3276161, MONDO:0013768, OMIM 614473.

Allele frequency attached by ClinVar (database versions not stated): gnomAD exomes 0.04266; 1000 Genomes Project 30x 0.05278; ExAC 0.05976; gnomAD 0.06629 and 0.06836; TOPMed 0.06810.

Submissions (31):

Laboratory of Genetics, Children's Clinical University Hospital Latvia
Classification: Benign. Last evaluated: 2025-02-16. Review status: criteria provided, single submitter. Criteria: ACMG Guidelines, 2015. Collection method: clinical testing. Allele origin: germline. Affected: yes.

Blueprint Genetics
Classification: Benign. Last evaluated: 2024-11-28. Review status: criteria provided, single submitter. Criteria: ACMG Guidelines, 2015. Collection method: clinical testing. Allele origin: germline.

Mayo Clinic Laboratories, Mayo Clinic
Classification: Benign. Last evaluated: 2023-04-05. Review status: criteria provided, single submitter. Criteria: ACMG Guidelines, 2015. Collection method: clinical testing. Allele origin: germline. Observed: 37 variant alleles.
Comment: BA1, BS2

Ambry Genetics
Classification: Benign for Inborn genetic diseases. Last evaluated: 2022-03-01. Review status: criteria provided, single submitter. Criteria: Ambry Variant Classification Scheme 2023. Collection method: clinical testing. Allele origin: germline.

Genome-Nilou Lab
Classification: Benign for Arterial calcification, generalized, of infancy, 2. Last evaluated: 2021-12-05. Review status: criteria provided, single submitter. Criteria: ACMG Guidelines, 2015. Collection method: clinical testing. Allele origin: germline. Affected: no.

Genome-Nilou Lab
Classification: Benign for Autosomal recessive inherited pseudoxanthoma elasticum. Last evaluated: 2021-12-05. Review status: criteria provided, single submitter. Criteria: ACMG Guidelines, 2015. Collection method: clinical testing. Allele origin: germline. Affected: no.

Genome-Nilou Lab
Classification: Benign for Pseudoxanthoma elasticum, forme fruste. Last evaluated: 2021-12-05. Review status: criteria provided, single submitter. Criteria: ACMG Guidelines, 2015. Collection method: clinical testing. Allele origin: germline. Affected: no.

Fulgent Genetics
Classification: Benign for Pseudoxanthoma elasticum, forme fruste; Autosomal recessive inherited pseudoxanthoma elasticum; Arterial calcification, generalized, of infancy, 2. Last evaluated: 2021-09-29. Review status: criteria provided, single submitter. Criteria: ACMG Guidelines, 2015. Collection method: clinical testing. Allele origin: unknown.

PXE International
Classification: Benign for Autosomal recessive inherited pseudoxanthoma elasticum. Last evaluated: 2021-03-01. Review status: criteria provided, single submitter. Criteria: Submitter's publication. Collection method: research. Allele origin: germline. Inheritance: Autosomal recessive inheritance. Affected: yes.

Baylor Genetics
Classification: Likely benign for Pseudoxanthoma elasticum. Last evaluated: 2015-06-29. Review status: criteria provided, single submitter. Criteria: Yang et al. 2013. Collection method: clinical testing. Allele origin: germline. Inheritance: Autosomal recessive inheritance. Observed: 710 variant alleles, 615 heterozygotes, 77 compound heterozygotes, 18 homozygotes. Study: Adult_WES.
Comment: However, variant is common, and we have identified homozygotes who do not have features of PXE.

GeneDx
Classification: Benign. Last evaluated: 2015-03-03. Review status: criteria provided, single submitter. Criteria: GeneDx Variant Classification Process June 2021. Collection method: clinical testing. Allele origin: germline. Affected: yes.
Comment: This variant is associated with the following publications: (PMID: 19726431, 27884173, 11536079, 16086317, 19339160, 33144682)

Breakthrough Genomics
Classification: Likely benign. Review status: criteria provided, single submitter. Criteria: ACMG Guidelines, 2015. Collection method: not provided. Allele origin: germline. Inheritance: Autosomal recessive inheritance. Affected: yes.

Clinical Genetics, Academic Medical Center
Classification: Benign. Review status: no assertion criteria provided. Collection method: clinical testing. Allele origin: germline. Affected: yes. Study: VKGL Data-share Consensus. Not counted in ClinVar's aggregate classification.

Department of Ophthalmology and Visual Sciences Kyoto University
Classification: Likely benign. Review status: no assertion criteria provided. Collection method: not provided. Allele origin: unknown. Not counted in ClinVar's aggregate classification.
ClinVar note: Converted during submission from probable-non-pathogenic to Likely benign.

Diagnostic Laboratory, Department of Genetics, University Medical Center Groningen
Classification: Benign. Review status: no assertion criteria provided. Collection method: clinical testing. Allele origin: germline. Affected: yes. Study: VKGL Data-share Consensus. Not counted in ClinVar's aggregate classification.

Dr. Peter K. Rogan Lab, Western University
No classification provided (evidence only). Condition: Acute myeloid leukemia. Review status: no classification provided. Collection method: in vitro. Allele origin: not applicable. Functional consequence: retained intron. Not counted in ClinVar's aggregate classification.

Dr. Peter K. Rogan Lab, Western University
No classification provided (evidence only). Condition: Acute myeloid leukemia. Review status: no classification provided. Collection method: in vitro. Allele origin: not applicable. Functional consequence: retained intron. Not counted in ClinVar's aggregate classification.

Dr. Peter K. Rogan Lab, Western University
No classification provided (evidence only). Condition: Acute myeloid leukemia. Review status: no classification provided. Collection method: in vitro. Allele origin: not applicable. Functional consequence: skipped exon, retained intron. Not counted in ClinVar's aggregate classification.

Dr. Peter K. Rogan Lab, Western University
No classification provided (evidence only). Condition: Colorectal cancer. Review status: no classification provided. Collection method: in vitro. Allele origin: not applicable. Functional consequence: retained intron. Not counted in ClinVar's aggregate classification.

Dr. Peter K. Rogan Lab, Western University
No classification provided (evidence only). Condition: Uterine corpus endometrial carcinoma. Review status: no classification provided. Collection method: in vitro. Allele origin: not applicable. Functional consequence: retained intron. Not counted in ClinVar's aggregate classification.

Dr. Peter K. Rogan Lab, Western University
No classification provided (evidence only). Condition: Uterine corpus endometrial carcinoma. Review status: no classification provided. Collection method: in vitro. Allele origin: not applicable. Functional consequence: retained intron. Not counted in ClinVar's aggregate classification.

Dr. Peter K. Rogan Lab, Western University
No classification provided (evidence only). Condition: Uterine corpus endometrial carcinoma. Review status: no classification provided. Collection method: in vitro. Allele origin: not applicable. Functional consequence: retained intron. Not counted in ClinVar's aggregate classification.

Dr. Peter K. Rogan Lab, Western University
No classification provided (evidence only). Condition: Thymoma. Review status: no classification provided. Collection method: in vitro. Allele origin: not applicable. Functional consequence: retained intron. Not counted in ClinVar's aggregate classification.

Dr. Peter K. Rogan Lab, Western University
No classification provided (evidence only). Condition: Thymoma. Review status: no classification provided. Collection method: in vitro. Allele origin: not applicable. Functional consequence: retained intron. Not counted in ClinVar's aggregate classification.

Dr. Peter K. Rogan Lab, Western University
No classification provided (evidence only). Condition: Cholangiocarcinoma. Review status: no classification provided. Collection method: in vitro. Allele origin: not applicable. Functional consequence: retained intron. Not counted in ClinVar's aggregate classification.

Dr. Peter K. Rogan Lab, Western University
No classification provided (evidence only). Condition: Cholangiocarcinoma. Review status: no classification provided. Collection method: in vitro. Allele origin: not applicable. Functional consequence: skipped exon. Not counted in ClinVar's aggregate classification.

Dr. Peter K. Rogan Lab, Western University
No classification provided (evidence only). Condition: Cholangiocarcinoma. Review status: no classification provided. Collection method: in vitro. Allele origin: not applicable. Functional consequence: skipped exon. Not counted in ClinVar's aggregate classification.

Dr. Peter K. Rogan Lab, Western University
No classification provided (evidence only). Condition: Cholangiocarcinoma. Review status: no classification provided. Collection method: in vitro. Allele origin: not applicable. Functional consequence: skipped exon. Not counted in ClinVar's aggregate classification.

Dr. Peter K. Rogan Lab, Western University
No classification provided (evidence only). Condition: Gastric cancer. Review status: no classification provided. Collection method: in vitro. Allele origin: not applicable. Functional consequence: retained intron. Not counted in ClinVar's aggregate classification.

Dr. Peter K. Rogan Lab, Western University
No classification provided (evidence only). Condition: Lymphoma. Review status: no classification provided. Collection method: in vitro. Allele origin: not applicable. Functional consequence: retained intron. Not counted in ClinVar's aggregate classification.

Genome Diagnostics Laboratory, University Medical Center Utrecht
Classification: Likely benign. Review status: no assertion criteria provided. Collection method: clinical testing. Allele origin: germline. Affected: yes. Study: VKGL Data-share Consensus. Not counted in ClinVar's aggregate classification.

Literature cited by the submitters: PubMed 19726431 (cited by Mayo Clinic Laboratories, Mayo Clinic and Baylor Genetics); PubMed 26944241 (cited by Mayo Clinic Laboratories, Mayo Clinic); PubMed 32873932 (cited by Mayo Clinic Laboratories, Mayo Clinic and PXE International); PubMed 33144682 (cited by Mayo Clinic Laboratories, Mayo Clinic); PubMed 36317459 (cited by Mayo Clinic Laboratories, Mayo Clinic); PubMed 26633545 (cited by Baylor Genetics).

NM_001171.6(ABCC6):c.793A>G (p.Arg265Gly)

Gene: ABCC6 (ATP binding cassette subfamily C member 6; minus strand). Cytogenetic location: 16p13.11.
Variant type: single nucleotide variant.
Coding change: c.793A>G on transcript NM_001171.6 (MANE Select); coding-DNA position 793, A replaced by G.
Protein change: p.Arg265Gly; replaces arginine 265 with glycine.
Molecular consequence: missense variant. On other transcripts: non-coding transcript variant (1).
Genome position (GRCh38, 1-based): chr16:16,208,729, T>C on the plus strand (A>G on the coding strand, the complement: ABCC6 is on the minus strand). VCF-style: chr16-16208729-T-C. GRCh37 (hg19) VCF-style: chr16-16302586-T-C.
Other names: NC_000016.9:g.16302586T>C; c.451A>G, p.Arg151Gly (NM_001351800.1); short protein forms R265G, R151G.
Identifiers: ClinVar variation 143120 (VCV000143120.18), dbSNP rs72657698, ClinGen allele CA232837.